The following is an entry in ClinVar:

ClinVar aggregate classification (germline): Uncertain significance (1 of 4 stars; one submission).

Conditions:
Episodic kinesigenic dyskinesia 1 (EKD1). Also called: DYSTONIA, FAMILIAL PAROXYSMAL; PAROXYSMAL KINESIGENIC CHOREOATHETOSIS; Dystonia 10; PxMD-PRRT2; PRRT2-Related Paroxysmal Kinesigenic Dyskinesia (PKD). Identifiers: Orphanet 98809, MedGen C4552000, MONDO:0100352, OMIM 128200, MONDO:0007494.

Submission:

3billion
Classification: Uncertain significance for Episodic kinesigenic dyskinesia 1. Last evaluated: 2022-03-22. Review status: criteria provided, single submitter. Criteria: ACMG Guidelines, 2015. Collection method: clinical testing. Allele origin: germline. Affected: yes. Observed: 1 heterozygote.
Comment: The variant is not observed in the gnomAD v2.1.1 dataset. Therefore, this variant is classified as uncertain significance according to the recommendation of ACMG/AMP guideline.

NM_145239.3(PRRT2):c.1012+5G>T

Genes: MVP-DT (MVP divergent transcript; minus strand), PRRT2 (proline rich transmembrane protein 2; plus strand). Cytogenetic location: 16p11.2.
Variant type: single nucleotide variant.
Coding change: c.1012+5G>T on transcript NM_145239.3 (MANE Select); 5 bases into the intron after coding-DNA position 1012, G replaced by T.
Molecular consequence: intron variant. On other transcripts: missense variant (1), 3 prime UTR variant (1).
Genome position (GRCh38, 1-based): chr16:29,814,470, G>T. VCF-style: chr16-29814470-G-T. GRCh37 (hg19) VCF-style: chr16-29825791-G-T.
Other names: c.1017G>T, p.Glu339Asp (NM_001256442.2); c.*516G>T (NM_001256443.2); short protein forms E339D.
Identifiers: ClinVar variation 1526074 (VCV001526074.1), dbSNP rs2142429667, ClinGen allele CA395480893.